The following is an entry in ClinVar:

NM_003098.3(SNTA1):c.221C>T (p.Pro74Leu)

Gene: SNTA1 (syntrophin alpha 1; minus strand). Cytogenetic location: 20q11.21.
Variant type: single nucleotide variant.
Coding change: c.221C>T on transcript NM_003098.3 (MANE Select); coding-DNA position 221, C replaced by T.
Protein change: p.Pro74Leu; replaces proline 74 with leucine.
Molecular consequence: missense variant.
Genome position (GRCh38, 1-based): chr20:33,443,400, G>A on the plus strand (C>T on the coding strand, the complement: SNTA1 is on the minus strand). VCF-style: chr20-33443400-G-A. GRCh37 (hg19) VCF-style: chr20-32031206-G-A.
Other names: short protein forms P74L.
Identifiers: ClinVar variation 263476 (VCV000263476.47), dbSNP rs572545726, ClinGen allele CA9817266.

ClinVar aggregate classification (germline): Conflicting classifications of pathogenicity. Review status: criteria provided, conflicting classifications (1 of 4 stars). 12 submissions from 12 submitters: Uncertain significance (1); Benign (1); Likely benign (7). 3 of the submissions do not count toward it. Last evaluated 2026-02-02.

Conditions:
SNTA1-related disorder. Also called: SNTA1-related condition.
Ventricular tachycardia. Identifiers: MedGen C0042514, MONDO:0005477, HP:0004756.
Cardiovascular phenotype. Identifiers: MedGen CN230736.
Long QT syndrome (LQTS). Identifiers: MedGen C0023976, MeSH D008133, MONDO:0002442. Disease mechanism: loss of function. Inheritance: Various modes of inheritance.
Long QT syndrome 12 (LQT12). Identifiers: Orphanet 101016, Orphanet 768, MedGen C2751830, MONDO:0013062, OMIM 612955.

Allele frequency attached by ClinVar (database versions not stated): 1000 Genomes Project 0.00060; gnomAD 0.00198 and 0.00188; TOPMed 0.00179; gnomAD exomes 0.00217; ExAC 0.00097; 1000 Genomes Project 30x 0.00109.
gnomAD v4.1: 3,082 of 1,359,300 alleles (0.23%); highest among the groups gnomAD compares: Middle Eastern, 0.28%; 8 homozygotes.

Submissions (12):

Labcorp Genetics (formerly Invitae), Labcorp
Classification: Likely benign for Long QT syndrome. Last evaluated: 2026-02-02. Review status: criteria provided, single submitter. Criteria: Invitae Variant Classification Sherloc (09022015). Collection method: clinical testing. Allele origin: germline.

Women's Health and Genetics/Laboratory Corporation of America, LabCorp
Classification: Likely benign. Last evaluated: 2023-05-08. Review status: criteria provided, single submitter. Criteria: LabCorp Variant Classification Summary - May 2015. Collection method: clinical testing. Allele origin: germline.
Comment: Variant summary: SNTA1 c.221C>T (p.Pro74Leu) results in a non-conservative amino acid change located in the pleckstrin homology domain (IPR001849) of the encoded protein sequence. Three of five in-silico tools predict a benign effect of the variant on protein function. The variant allele was found at a frequency of 0.0022 in 20944 control chromosomes. The observed variant frequency is approximately 224.41 fold of the estimated maximal expected allele frequency for a pathogenic variant in SNTA1 causing Arrhythmia phenotype (1e-05), strongly suggesting that the variant is benign. c.221C>T has been reported in the literature along with another SNTA1 variant, c.770C>G (p.Ala257Gly) in sequencing studies of individuals affected with Arrhythmia and/or in SIDS cohorts (example, Cheng_2009, Broendberg_2018). These report(s) do not provide unequivocal conclusions about association of the variant with Arrhythmia. At-least one co-occurrence with another pathogenic variant causative of Arrhythmia has been observed at our laboratory (KCNQ1 c.1686G>T, p.Arg562Ser), providing supporting evidence for a benign role. At least one publication reports experimental evidence evaluating an impact on protein function. These results showed no damaging effect of this variant as it was demonstrated to have a rescue function when present in conjunction with (p.Arg257Gly). This variant combination reversed the peak sodium current and window current induced by the (p.Arg257Gly) variant alone (Cheng_2011). The following publications have been ascertained in the context of this evaluation (PMID: 20009079, 25650408, 24319568, 29343803). Ten clinical diagnostic laboratories have submitted clinical-significance assessments for this variant to ClinVar after 2014 without evidence for independent evaluation (benign, n=1; likely benign, n=8, VUS, n=1). Based on the evidence outlined above, the variant was classified as likely benign.

ARUP Laboratories, Molecular Genetics and Genomics, ARUP Laboratories
Classification: Uncertain significance for Long QT syndrome 12. Last evaluated: 2021-01-15. Review status: criteria provided, single submitter. Criteria: ARUP Molecular Germline Variant Investigation Process 2021. Collection method: clinical testing. Allele origin: germline.
Comment: The SNTA1 c.221C>T; p.Pro74Leu variant (rs572545726) is reported in the literature in combination with the p.Ala257Gly variant in several healthy controls (Cheng 2009). Functional studies suggest that the p.Pro74Leu variant rescues the in vitro channel activity defect of the p.Ala257Gly variant, but has no effect on channel activity on its own (Cheng 2011). The p.Pro74Leu variant is reported in ClinVar (Variation ID: 263476) and is found in the non-Finnish European population with an allele frequency of 0.40% (98/24572 alleles) in the Genome Aggregation Database. The proline at codon 74 is weakly conserved, and computational analyses predict that this variant is neutral (REVEL: 0.055). While the evidence suggests the p.Pro74Leu does not cause disease and may ameliorate the effects of the p.Ala257Gly, given the lack of clinical and functional data, the significance of the p.Pro74Leu variant cannot be determined with certainty. References: Cheng J et al. Alpha1-syntrophin mutations identified in sudden infant death syndrome cause an increase in late cardiac sodium current. Circ Arrhythm Electrophysiol. 2009 Dec;2(6):667-76. Cheng J et al. LQTS-associated mutation A257G in a1-syntrophin interacts with the intragenic variant P74L to modify its biophysical phenotype. Cardiogenetics. 2011 Oct 25;1(1). pii: 136.

Molecular Diagnostic Laboratory for Inherited Cardiovascular Disease, Montreal Heart Institute
Classification: Likely benign. Last evaluated: 2019-07-09. Review status: criteria provided, single submitter. Criteria: ACMG Guidelines, 2015. Collection method: clinical testing. Allele origin: germline. Affected: yes.

Center for Advanced Laboratory Medicine, UC San Diego Health, University of California San Diego
Classification: Likely benign for Ventricular tachycardia. Last evaluated: 2018-09-15. Review status: criteria provided, single submitter. Criteria: ACMG Guidelines, 2015. Collection method: clinical testing. Allele origin: germline. Affected: yes. Observed: 1 variant allele.

Ambry Genetics
Classification: Likely benign for Cardiovascular phenotype. Last evaluated: 2018-05-16. Review status: criteria provided, single submitter. Criteria: Ambry Variant Classification Scheme 2023. Collection method: clinical testing. Allele origin: germline.

Genome Diagnostics Laboratory, University Medical Center Utrecht
Classification: Likely benign for Long QT syndrome 12. Last evaluated: 2017-08-18. Review status: criteria provided, single submitter. Criteria: ACGS Guidelines, 2013. Collection method: clinical testing. Allele origin: germline. Affected: yes. Study: VKGL Data-share Consensus.

Illumina Laboratory Services, Illumina
Classification: Likely benign for Long QT syndrome 12. Last evaluated: 2017-04-27. Review status: criteria provided, single submitter. Criteria: ICSL Variant Classification Criteria 13 December 2019. Collection method: clinical testing. Allele origin: germline.
Comment: This variant was observed as part of a predisposition screen in an ostensibly healthy population. A literature search was performed for the gene, cDNA change, and amino acid change (where applicable). Publications were found based on this search. The evidence from the literature, in combination with allele frequency data from public databases where available, was sufficient to determine this variant is unlikely to cause disease. Therefore, this variant is classified as likely benign.

GeneDx
Classification: Benign. Last evaluated: 2015-06-01. Review status: criteria provided, single submitter. Criteria: GeneDx Variant Classification (06012015). Collection method: clinical testing. Allele origin: germline. Affected: yes.
Comment: This variant is considered likely benign or benign based on one or more of the following criteria: it is a conservative change, it occurs at a poorly conserved position in the protein, it is predicted to be benign by multiple in silico algorithms, and/or has population frequency not consistent with disease.

PreventionGenetics, part of Exact Sciences
Classification: Likely benign for SNTA1-related condition. Last evaluated: 2020-10-19. Review status: no assertion criteria provided. Collection method: clinical testing. Allele origin: germline. Not counted in ClinVar's aggregate classification.
Comment: This variant is classified as likely benign based on ACMG/AMP sequence variant interpretation guidelines (Richards et al. 2015 PMID: 25741868, with internal and published modifications).

Clinical Genetics, Academic Medical Center
Classification: Likely benign. Review status: no assertion criteria provided. Collection method: clinical testing. Allele origin: germline. Affected: yes. Study: VKGL Data-share Consensus. Not counted in ClinVar's aggregate classification.

Joint Genome Diagnostic Labs from Nijmegen and Maastricht, Radboudumc and MUMC+
Classification: Likely benign. Review status: no assertion criteria provided. Collection method: clinical testing. Allele origin: germline. Affected: yes. Study: VKGL Data-share Consensus. Not counted in ClinVar's aggregate classification.

Literature cited by the submitters: PubMed 20009079 (cited by 3 submitters); PubMed 25650408 (cited by Women's Health and Genetics/Laboratory Corporation of America, LabCorp and Ambry Genetics); PubMed 24319568 (cited by Women's Health and Genetics/Laboratory Corporation of America, LabCorp and Ambry Genetics); PubMed 29343803 (cited by Women's Health and Genetics/Laboratory Corporation of America, LabCorp).